The following is an entry in ClinVar:

NM_020806.5(GPHN):c.2042G>A (p.Gly681Asp)

Genes: GPHN (gephyrin; plus strand), LOC126861970 (MED14-independent group 3 enhancer GRCh37_chr14:67634697-67635896; plus strand). Cytogenetic location: 14q23.3.
Variant type: single nucleotide variant.
Coding change: c.2042G>A on transcript NM_020806.5 (MANE Select); coding-DNA position 2042, G replaced by A.
Protein change: p.Gly681Asp; replaces glycine 681 with aspartic acid.
Molecular consequence: missense variant.
Genome position (GRCh38, 1-based): chr14:67,168,999, G>A. VCF-style: chr14-67168999-G-A. GRCh37 (hg19) VCF-style: chr14-67635716-G-A.
Other names: c.1943G>A, p.Gly648Asp (NM_001024218.2); c.2102G>A, p.Gly701Asp (NM_001377514.1); c.2072G>A, p.Gly691Asp (NM_001377515.1); c.2063G>A, p.Gly688Asp (NM_001377516.1); c.2015G>A, p.Gly672Asp (NM_001377517.1); c.2000G>A, p.Gly667Asp (NM_001377518.1); c.1982G>A, p.Gly661Asp (NM_001377519.1); short protein forms G672D, G688D, G667D, G648D, G661D, G691D, G681D, G701D.
Identifiers: ClinVar variation 4742735 (VCV004742735.1).

ClinVar aggregate classification (germline): Uncertain significance (1 of 4 stars; one submission).

Conditions:
Sulfite oxidase deficiency due to molybdenum cofactor deficiency type C. Also called: Molybdenum cofactor deficiency, complementation group C; Molybdenum cofactor deficiency C. Identifiers: Orphanet 308400, Orphanet 833, MedGen C1854990, MONDO:0014212, OMIM 615501.

Submission:

Labcorp Genetics (formerly Invitae), Labcorp
Classification: Uncertain significance for Sulfite oxidase deficiency due to molybdenum cofactor deficiency type C. Last evaluated: 2025-09-24. Review status: criteria provided, single submitter. Criteria: Invitae Variant Classification Sherloc (09022015). Collection method: clinical testing. Allele origin: germline.
Comment: This sequence change replaces glycine, which is neutral and non-polar, with aspartic acid, which is acidic and polar, at codon 681 of the GPHN protein (p.Gly681Asp). This variant is not present in population databases (gnomAD no frequency). This variant has not been reported in the literature in individuals affected with GPHN-related conditions. Invitae Evidence Modeling of protein sequence and biophysical properties (such as structural, functional, and spatial information, amino acid conservation, physicochemical variation, residue mobility, and thermodynamic stability) indicates that this missense variant is not expected to disrupt GPHN protein function with a negative predictive value of 80%. In summary, the available evidence is currently insufficient to determine the role of this variant in disease. Therefore, it has been classified as a Variant of Uncertain Significance.